The following is an entry in ClinVar:

ClinVar aggregate classification (germline): Likely benign (1 of 4 stars; one submission).

Submission:

GeneDx
Classification: Likely benign. Last evaluated: 2016-05-05. Review status: criteria provided, single submitter. Criteria: GeneDx Variant Classification (06012015). Collection method: clinical testing. Allele origin: germline. Affected: yes.
Comment: This variant is considered likely benign or benign based on one or more of the following criteria: it is a conservative change, it occurs at a poorly conserved position in the protein, it is predicted to be benign by multiple in silico algorithms, and/or has population frequency not consistent with disease.

NM_000018.4(ACADVL):c.1236G>A (p.Gln412=)

Gene: ACADVL (acyl-CoA dehydrogenase very long chain; plus strand). Cytogenetic location: 17p13.1.
Variant type: single nucleotide variant.
Coding change: c.1236G>A on transcript NM_000018.4 (MANE Select); coding-DNA position 1236, G replaced by A.
Protein change: p.Gln412=; no amino-acid change (glutamine 412 retained).
Molecular consequence: synonymous variant.
Genome position (GRCh38, 1-based): chr17:7,223,697, G>A. VCF-style: chr17-7223697-G-A. GRCh37 (hg19) VCF-style: chr17-7127016-G-A.
Other names: c.1170G>A, p.Gln390= (NM_001033859.3); c.1305G>A, p.Gln435= (NM_001270447.2); c.1008G>A, p.Gln336= (NM_001270448.2).
Identifiers: ClinVar variation 385671 (VCV000385671.1), dbSNP rs745355288, ClinGen allele CA16607509.